The following is an entry in ClinVar:

NM_182931.3(KMT2E):c.1424C>A (p.Ser475Tyr)

Gene: KMT2E (lysine methyltransferase 2E (inactive); plus strand). Cytogenetic location: 7q22.3.
Variant type: single nucleotide variant.
Coding change: c.1424C>A on transcript NM_182931.3 (MANE Select); coding-DNA position 1424, C replaced by A.
Protein change: p.Ser475Tyr; replaces serine 475 with tyrosine.
Molecular consequence: missense variant.
Genome position (GRCh38, 1-based): chr7:105,090,074, C>A. VCF-style: chr7-105090074-C-A. GRCh37 (hg19) VCF-style: chr7-104730521-C-A.
Other names: c.1424C>A, p.Ser475Tyr (NM_001410908.1, NM_018682.4); short protein forms S475Y.
Identifiers: ClinVar variation 3391630 (VCV003391630.2).
Genomic context (GRCh38, chr7:105,090,074, plus strand): 5'-ACAAGGTGGACTGTGCATGCCTCAAAGAAAACCCAGAGTGCCCTGTTCTAAAACGTAGTT[C>A]TGAATCCATGGAAAATATCAATAGTGGTTATGAGACCAGACGGAAAAAAGGAAAAAAAGA-3'
Protein context (NP_891847.1, residues 465-485): NPECPVLKRS[Ser475Tyr]ESMENINSGY

ClinVar aggregate classification (germline): Uncertain significance (1 of 4 stars; one submission).

Submission:

GeneDx
Classification: Uncertain significance. Last evaluated: 2025-09-10. Review status: criteria provided, single submitter. Criteria: GeneDx Variant Classification Process June 2021. Collection method: clinical testing. Allele origin: germline.
Comment: Not observed at significant frequency in large population cohorts (gnomAD); In silico analysis supports that this missense variant has a deleterious effect on protein structure/function; Has not been previously published as pathogenic or benign to our knowledge